The following is an entry in ClinVar:

NM_007294.4(BRCA1):c.5533T>A (p.Tyr1845Asn)

Gene: BRCA1 (BRCA1 DNA repair associated; minus strand). Cytogenetic location: 17q21.31.
Variant type: single nucleotide variant.
Coding change: c.5533T>A on transcript NM_007294.4 (MANE Select); coding-DNA position 5533, T replaced by A.
Protein change: p.Tyr1845Asn; replaces tyrosine 1845 with asparagine.
Molecular consequence: missense variant. On other transcripts: 3 prime UTR variant (1), non-coding transcript variant (1).
Genome position (GRCh38, 1-based): chr17:43,045,737, A>T on the plus strand (T>A on the coding strand, the complement: BRCA1 is on the minus strand). VCF-style: chr17-43045737-A-T. GRCh37 (hg19) VCF-style: chr17-41197754-A-T.
Other names: c.5389T>A, p.Tyr1797Asn (NM_001407733.1, NM_001407734.1, NM_001407735.1 and 18 more transcripts); c.5533T>A, p.Tyr1845Asn (NM_001407605.1, NM_001407593.1, NM_001407594.1 and 5 more transcripts); c.5530T>A, p.Tyr1844Asn (NM_001407610.1, NM_001407611.1, NM_001407612.1 and 14 more transcripts); c.5527T>A, p.Tyr1843Asn (NM_001407628.1, NM_001407629.1, NM_001407630.1 and 13 more transcripts); c.5476T>A, p.Tyr1826Asn (NM_001407648.1); c.5473T>A, p.Tyr1825Asn (NM_001407649.1); c.5455T>A, p.Tyr1819Asn (NM_001407652.1, NM_001407653.1, NM_001407654.1 and 1 more transcripts); c.5452T>A, p.Tyr1818Asn (NM_001407656.1, NM_001407657.1, NM_001407658.1); and 74 more; short protein forms Y1798N, Y1845N, Y1866N, Y741N, Y1548N, Y1732N, Y1773N, Y1774N.
Identifiers: ClinVar variation 869015 (VCV000869015.3), dbSNP rs2050869285, ClinGen allele CA10590257.

Conditions:
Breast-ovarian cancer, familial, susceptibility to, 1 (BROVCA1). Also called: BRCA1 Hereditary Breast and Ovarian Cancer; OVARIAN CANCER, SUSCEPTIBILITY TO. Identifiers: Orphanet 145, MedGen C2676676, MONDO:0011450, OMIM 604370. Disease mechanism: loss of function.

Submission:

Brotman Baty Institute, University of Washington
No classification provided (evidence only). Condition: Breast-ovarian cancer, familial 1. Review status: no classification provided. Collection method: in vitro. Allele origin: not applicable. Functional consequence: functionally_normal.
ClinVar note: "not provided" was previously submitted as the classification for the variant. However, the classification appeared to be based only on an observation of functional data so it was converted to no classification on 2025-07-30.